The following is an entry in ClinVar:

NM_001370259.2(MEN1):c.1186-13C>T

Gene: MEN1 (menin 1; minus strand). Cytogenetic location: 11q13.1.
Variant type: single nucleotide variant.
Coding change: c.1186-13C>T on transcript NM_001370259.2 (MANE Select); 13 bases into the intron before coding-DNA position 1186, C replaced by T.
Molecular consequence: intron variant.
Genome position (GRCh38, 1-based): chr11:64,805,211, G>A on the plus strand (C>T on the coding strand, the complement: MEN1 is on the minus strand). VCF-style: chr11-64805211-G-A. GRCh37 (hg19) VCF-style: chr11-64572683-G-A.
Other names: c.1201-13C>T (NM_130804.3, NM_130803.3, NM_000244.4 and 3 more transcripts); c.1186-13C>T (NM_130799.3, NM_001370260.2, NM_001370261.2); c.1312-13C>T (NM_001370251.2); c.1081-13C>T (NM_001370263.2, NM_001370262.2).
Identifiers: ClinVar variation 1661226 (VCV001661226.9), dbSNP rs1181170442, ClinGen allele CA679266555.

ClinVar aggregate classification (germline): Likely benign. Review status: criteria provided, multiple submitters, no conflicts (2 of 4 stars). 2 submissions from 2 submitters: Likely benign (2). Last evaluated 2024-11-05.

Conditions:
Multiple endocrine neoplasia, type 1 (MEN1). Also called: MEA I; MEN I; WERMER SYNDROME; Endocrine adenomatosis multiple; MEN 1. Identifiers: Orphanet 652, MedGen C0025267, MeSH D018761, MONDO:0007540, OMIM 131100.

Allele frequency attached by ClinVar (database versions not stated): TOPMed below 0.00001.

Submissions (2):

Myriad Genetics, Inc.
Classification: Likely benign for Multiple endocrine neoplasia, type 1. Last evaluated: 2024-11-05. Review status: criteria provided, single submitter. Criteria: Myriad Autosomal Dominant, Autosomal Recessive and X-Linked Classification Criteria (2023). Collection method: clinical testing. Allele origin: unknown.
Comment: This variant is considered likely benign. This variant is intronic and is not expected to impact mRNA splicing.

Labcorp Genetics (formerly Invitae), Labcorp
Classification: Likely benign for Multiple endocrine neoplasia, type 1. Last evaluated: 2021-06-13. Review status: criteria provided, single submitter. Criteria: Invitae Variant Classification Sherloc (09022015). Collection method: clinical testing. Allele origin: germline.